The following is an entry in ClinVar:

NC_000002.11:g.(?_182468544)_(182468826_?)del

Gene: CERKL (ceramide kinase like; minus strand). Cytogenetic location: 2q31.3.
Variant type: Deletion.
Identifiers: ClinVar variation 2423493 (VCV002423493.3).

ClinVar aggregate classification (germline): Pathogenic (1 of 4 stars; one submission).

Submission:

Labcorp Genetics (formerly Invitae), Labcorp
Classification: Pathogenic. Last evaluated: 2022-09-28. Review status: criteria provided, single submitter. Criteria: Invitae Variant Classification Sherloc (09022015). Collection method: clinical testing. Allele origin: germline.
Comment: This variant is a gross deletion of the genomic region encompassing exon(s) 2 of the CERKL gene. This variant would be expected to be in-frame, preserving the integrity of the reading frame. A similar copy number variant has been observed in individuals with inherited retinal dystrophy (PMID: 29074561, 29555955). This variant disrupts the p.Cys125 amino acid residue in CERKL. Other variant(s) that disrupt this residue have been determined to be pathogenic (PMID: 20554613, 24498393, 29068140). This suggests that this residue is clinically significant, and that variants that disrupt this residue are likely to be disease-causing. For these reasons, this variant has been classified as Pathogenic.

Literature cited by the submitters: PubMed 29074561; PubMed 29555955; PubMed 20554613; PubMed 24498393; PubMed 29068140.